The following is an entry in ClinVar:

ClinVar aggregate classification (germline): Conflicting classifications of pathogenicity. Review status: criteria provided, conflicting classifications (1 of 4 stars). 2 submissions from 2 submitters: Uncertain significance (1); Likely benign (1). Last evaluated 2025-01-20.

Allele frequency attached by ClinVar (database versions not stated): gnomAD 0.00001; gnomAD exomes 0.00001.
gnomAD v4.1: 12 of 1,613,266 alleles (0.00074%); highest among the groups gnomAD compares: Middle Eastern, 0.016%; no homozygotes.

Submissions (2):

Labcorp Genetics (formerly Invitae), Labcorp
Classification: Likely benign. Last evaluated: 2025-01-20. Review status: criteria provided, single submitter. Criteria: Invitae Variant Classification Sherloc (09022015). Collection method: clinical testing. Allele origin: germline.

CeGaT Center for Human Genetics Tuebingen
Classification: Uncertain significance. Last evaluated: 2022-06-01. Review status: criteria provided, single submitter. Criteria: CeGaT Center For Human Genetics Tuebingen Variant Classification Criteria Version 2. Collection method: clinical testing. Allele origin: germline. Affected: yes. Observed: 1 variant allele.
Comment: FBXO11: PP2

NM_001190274.2(FBXO11):c.2032C>T (p.Arg678Cys)

Gene: FBXO11 (F-box protein 11; minus strand). Cytogenetic location: 2p16.3.
Variant type: single nucleotide variant.
Coding change: c.2032C>T on transcript NM_001190274.2 (MANE Select); coding-DNA position 2032, C replaced by T.
Protein change: p.Arg678Cys; replaces arginine 678 with cysteine.
Molecular consequence: missense variant.
Genome position (GRCh38, 1-based): chr2:47,813,842, G>A on the plus strand (C>T on the coding strand, the complement: FBXO11 is on the minus strand). VCF-style: chr2-47813842-G-A. GRCh37 (hg19) VCF-style: chr2-48040981-G-A.
Other names: c.1780C>T, p.Arg594Cys (NM_001374325.1, NM_025133.4); short protein forms R594C, R678C.
Identifiers: ClinVar variation 1505725 (VCV001505725.31), dbSNP rs1670807608, ClinGen allele CA346763614.
Genomic context (GRCh38, chr2:47,813,842, plus strand): 5'-TAAACATACCAGAATTATAAACTAGAATTCCACCATTCTGTCCTCCCCAGATTTTGTTGC[G>A]TCTAATTTTGGGGTTGCTTCCAGTCCTGTAAACAGAATAGACAATAATACCATTTCAATA-3'
Protein context (NP_001177203.1, residues 668-688): IRTGSNPKIR[Arg678Cys]NKIWGGQNGG